The following is an entry in ClinVar:

NM_000047.3(ARSL):c.694C>G (p.Leu232Val)

Gene: ARSL (arylsulfatase L; minus strand). Cytogenetic location: Xp22.33.
Variant type: single nucleotide variant.
Coding change: c.694C>G on transcript NM_000047.3 (MANE Select); coding-DNA position 694, C replaced by G.
Protein change: p.Leu232Val; replaces leucine 232 with valine.
Molecular consequence: missense variant.
Genome position (GRCh38, 1-based): chrX:2,949,464, G>C on the plus strand (C>G on the coding strand, the complement: ARSL is on the minus strand). VCF-style: chrX-2949464-G-C. GRCh37 (hg19) VCF-style: chrX-2867505-G-C.
Other names: c.769C>G, p.Leu257Val (NM_001282628.2, NM_001369080.1); c.532C>G, p.Leu178Val (NM_001282631.2); c.721C>G, p.Leu241Val (NM_001369079.1); short protein forms L178V, L241V, L257V, L232V.
Identifiers: ClinVar variation 1044333 (VCV001044333.7), dbSNP rs1357207608, ClinGen allele CA412280541.

ClinVar aggregate classification (germline): Uncertain significance (1 of 4 stars; one submission).

Conditions:
Chondrodysplasia punctata, brachytelephalangic, autosomal. Also called: BRACHYTELEPHALANGIC CHONDRODYSPLASIA PUNCTATA. Identifiers: MedGen C1844853, MONDO:0011238, OMIM 602497.

Allele frequency attached by ClinVar (database versions not stated): TOPMed 0.00001.
gnomAD v4.1: 2 of 1,209,327 alleles (0.00017%); highest among the groups gnomAD compares: Admixed American, 0.0022%; no homozygotes.

Submission:

Labcorp Genetics (formerly Invitae), Labcorp
Classification: Uncertain significance for Chondrodysplasia punctata, brachytelephalangic, autosomal. Last evaluated: 2022-10-18. Review status: criteria provided, single submitter. Criteria: Invitae Variant Classification Sherloc (09022015). Collection method: clinical testing. Allele origin: germline.
Comment: This sequence change replaces leucine, which is neutral and non-polar, with valine, which is neutral and non-polar, at codon 232 of the ARSE protein (p.Leu232Val). This variant is not present in population databases (gnomAD no frequency). This variant has not been reported in the literature in individuals affected with ARSE-related conditions. ClinVar contains an entry for this variant (Variation ID: 1044333). Algorithms developed to predict the effect of missense changes on protein structure and function output the following: SIFT: "Tolerated"; PolyPhen-2: "Benign"; Align-GVGD: "Class C0". The valine amino acid residue is found in multiple mammalian species, which suggests that this missense change does not adversely affect protein function. In summary, the available evidence is currently insufficient to determine the role of this variant in disease. Therefore, it has been classified as a Variant of Uncertain Significance.